The following is an entry in ClinVar:

ClinVar aggregate classification (germline): Uncertain significance. Review status: criteria provided, multiple submitters, no conflicts (2 of 4 stars). 2 submissions from 2 submitters: Uncertain significance (2). Last evaluated 2022-03-14.

Conditions:
Autosomal recessive ataxia, Beauce type. Also called: ATAXIA, RECESSIVE, OF BEAUCE; Spinocerebellar ataxia, autosomal recessive 8; SYNE1 Deficiency; SYNE1-Related Autosomal Recessive Cerebellar Ataxia. Identifiers: Orphanet 88644, MedGen C1853116, MONDO:0012549, OMIM 610743.
Emery-Dreifuss muscular dystrophy 4, autosomal dominant (EDMD4). Also called: EMERY-DREIFUSS MUSCULAR DYSTROPHY 4 WITH VARIABLE FEATURES. Identifiers: Orphanet 261, MedGen C2751807, MONDO:0013071, OMIM 612998.

gnomAD v4.1: 29 of 1,613,704 alleles (0.0018%); highest among the groups gnomAD compares: African/African-American, 0.0027%; no homozygotes.

Submissions (2):

Labcorp Genetics (formerly Invitae), Labcorp
Classification: Uncertain significance for Emery-Dreifuss muscular dystrophy 4, autosomal dominant; Autosomal recessive ataxia, Beauce type. Last evaluated: 2022-03-14. Review status: criteria provided, single submitter. Criteria: Invitae Variant Classification Sherloc (09022015). Collection method: clinical testing. Allele origin: germline.
Comment: This sequence change replaces glycine, which is neutral and non-polar, with valine, which is neutral and non-polar, at codon 1311 of the SYNE1 protein (p.Gly1311Val). In summary, the available evidence is currently insufficient to determine the role of this variant in disease. Therefore, it has been classified as a Variant of Uncertain Significance. Algorithms developed to predict the effect of missense changes on protein structure and function are either unavailable or do not agree on the potential impact of this missense change (SIFT: "Deleterious"; PolyPhen-2: "Benign"; Align-GVGD: "Class C0"). This variant has not been reported in the literature in individuals affected with SYNE1-related conditions. This variant is present in population databases (rs141164314, gnomAD 0.002%).

Blueprint Genetics
Classification: Uncertain significance. Last evaluated: 2018-08-16. Review status: criteria provided, single submitter. Criteria: ACMG Guidelines, 2015. Collection method: clinical testing. Allele origin: germline.

NM_182961.4(SYNE1):c.3911G>T (p.Gly1304Val)

Gene: SYNE1 (spectrin repeat containing nuclear envelope protein 1; minus strand). Cytogenetic location: 6q25.2.
Variant type: single nucleotide variant.
Coding change: c.3911G>T on transcript NM_182961.4 (MANE Select); coding-DNA position 3911, G replaced by T.
Protein change: p.Gly1304Val; replaces glycine 1304 with valine.
Molecular consequence: missense variant.
Genome position (GRCh38, 1-based): chr6:152,442,172, C>A on the plus strand (G>T on the coding strand, the complement: SYNE1 is on the minus strand). VCF-style: chr6-152442172-C-A. GRCh37 (hg19) VCF-style: chr6-152763307-C-A.
Other names: c.3932G>T, p.Gly1311Val (NM_033071.5); short protein forms G1304V, G1311V.
Identifiers: ClinVar variation 2187896 (VCV002187896.5), dbSNP rs141164314, ClinGen allele CA4058720.